The following is an entry in ClinVar:

ClinVar aggregate classification (germline): Conflicting classifications of pathogenicity. Review status: criteria provided, conflicting classifications (1 of 4 stars). 2 submissions from 2 submitters: Uncertain significance (1); Likely benign (1). Last evaluated 2025-04-22.

Conditions:
RASopathy. Also called: Noonan spectrum disorder; rasopathies. Identifiers: Orphanet 536391, MedGen C5555857, MONDO:0021060.

Submissions (2):

Labcorp Genetics (formerly Invitae), Labcorp
Classification: Likely benign for RASopathy. Last evaluated: 2025-04-22. Review status: criteria provided, single submitter. Criteria: Invitae Variant Classification Sherloc (09022015). Collection method: clinical testing. Allele origin: germline.

GeneDx
Classification: Uncertain significance. Last evaluated: 2018-04-30. Review status: criteria provided, single submitter. Criteria: GeneDx Variant Classification (06012015). Collection method: clinical testing. Allele origin: germline. Affected: yes.
Comment: The c.2391-8_2391-6delGAT variant has not been published as a pathogenic variant, nor has it been reported as a benign variant to our knowledge. The variant is not observed in large population cohorts (Lek et al., 2016). Several in silico splice prediction models are inconclusive on the effect c.2391-8_2391-6delGAT has on splicing. In the absence of RNA/functional studies, the actual effect of this sequence change in this individual is unknown. Therefore, based on the currently available information, it is unclear whether this variant is a pathogenic variant or a rare benign variant.

NM_005633.4(SOS1):c.2391-8_2391-6del

Gene: SOS1 (SOS Ras/Rac guanine nucleotide exchange factor 1; minus strand). Cytogenetic location: 2p22.1.
Variant type: Microsatellite.
Coding change: c.2391-8_2391-6del on transcript NM_005633.4 (MANE Select); 8 bases into the intron before coding-DNA position 2391 through 6 bases into the intron before coding-DNA position 2391, 3 bases deleted (GAT; older notation c.2391-8_2391-6delGAT).
Molecular consequence: intron variant.
Genome position (GRCh38, 1-based): chr2:39,010,709-39,010,711, ATC deleted on the plus strand (GAT on the coding strand, the reverse complement: SOS1 is on the minus strand); deleting any 3 consecutive bases within chr2:39,010,709-39,010,715 gives the same sequence; the c. name uses the placement nearest the transcript's 3' end. VCF-style (leftmost placement, unchanged base first): chr2-39010708-AATC-A. GRCh37 (hg19) VCF-style: chr2-39237849-AATC-A.
Other names: c.2391-8_2391-6delGAT (NM_005633.3); c.2370-8_2370-6del (NM_001382394.1); c.2391-8_2391-6del (NM_001382395.1).
Identifiers: ClinVar variation 561802 (VCV000561802.4), dbSNP rs1558468009, ClinGen allele CA658821505.